The following is an entry in ClinVar:

NM_024757.5(EHMT1):c.3488C>G (p.Ser1163Ter)

Gene: EHMT1 (euchromatic histone lysine methyltransferase 1; plus strand). Cytogenetic location: 9q34.3.
Variant type: single nucleotide variant.
Coding change: c.3488C>G on transcript NM_024757.5 (MANE Select); coding-DNA position 3488, C replaced by G.
Protein change: p.Ser1163Ter; replaces serine 1163 with a stop codon.
Molecular consequence: nonsense.
Genome position (GRCh38, 1-based): chr9:137,818,086, C>G. VCF-style: chr9-137818086-C-G. GRCh37 (hg19) VCF-style: chr9-140712538-C-G.
Other names: c.3467C>G, p.Ser1156Ter (NM_001354263.2); short protein forms S1156*, S1163*.
Identifiers: ClinVar variation 2630435 (VCV002630435.1), dbSNP rs1233778317, ClinGen allele CA375773503.

ClinVar aggregate classification (germline): Likely pathogenic (1 of 4 stars; one submission).

Conditions:
EHMT1-related disorder. Also called: EHMT1-related condition.

Submission:

PreventionGenetics, part of Exact Sciences
Classification: Likely pathogenic for EHMT1-related condition. Last evaluated: 2023-02-13. Review status: criteria provided, single submitter. Criteria: ACMG Guidelines, 2015. Collection method: clinical testing. Allele origin: germline.
Comment: The EHMT1 c.3488C>G variant is predicted to result in premature protein termination (p.Ser1163*). To our knowledge, this variant has not been reported in the literature or in a large population database, indicating this variant is rare. Nonsense variants in EHMT1 are expected to be pathogenic. This variant is interpreted as likely pathogenic.